The following is an entry in ClinVar:

ClinVar aggregate classification (germline): Uncertain significance (1 of 4 stars; one submission).

Conditions:
Epileptic encephalopathy. Identifiers: MedGen C0543888, HP:0200134.

Allele frequency attached by ClinVar (database versions not stated): gnomAD exomes below 0.00001.
gnomAD v4.1: 1 of 1,606,444 alleles (0.000062%); highest among the groups gnomAD compares: African/African-American, 0.0013%; no homozygotes.

Submission:

Labcorp Genetics (formerly Invitae), Labcorp
Classification: Uncertain significance for Epileptic encephalopathy. Last evaluated: 2021-03-10. Review status: criteria provided, single submitter. Criteria: Invitae Variant Classification Sherloc (09022015). Collection method: clinical testing. Allele origin: germline.
Comment: In summary, the available evidence is currently insufficient to determine the role of this variant in disease. Therefore, it has been classified as a Variant of Uncertain Significance. Algorithms developed to predict the effect of missense changes on protein structure and function (SIFT, PolyPhen-2, Align-GVGD) all suggest that this variant is likely to be tolerated, but these predictions have not been confirmed by published functional studies and their clinical significance is uncertain. This variant has not been reported in the literature in individuals with FASN-related conditions. This variant is not present in population databases (ExAC no frequency). This sequence change replaces histidine with tyrosine at codon 873 of the FASN protein (p.His873Tyr). The histidine residue is moderately conserved and there is a moderate physicochemical difference between histidine and tyrosine.

NM_004104.5(FASN):c.2617C>T (p.His873Tyr)

Gene: FASN (fatty acid synthase; minus strand). Cytogenetic location: 17q25.3.
Variant type: single nucleotide variant.
Coding change: c.2617C>T on transcript NM_004104.5 (MANE Select); coding-DNA position 2617, C replaced by T.
Protein change: p.His873Tyr; replaces histidine 873 with tyrosine.
Molecular consequence: missense variant.
Genome position (GRCh38, 1-based): chr17:82,088,284, G>A on the plus strand (C>T on the coding strand, the complement: FASN is on the minus strand). VCF-style: chr17-82088284-G-A. GRCh37 (hg19) VCF-style: chr17-80046160-G-A.
Other names: short protein forms H873Y.
Identifiers: ClinVar variation 1493228 (VCV001493228.8), dbSNP rs2034141524, ClinGen allele CA401556896.